The following is an entry in ClinVar:

ClinVar aggregate classification (germline): Uncertain significance (1 of 4 stars; one submission).

Conditions:
Cardiovascular phenotype. Identifiers: MedGen CN230736.

Allele frequency attached by ClinVar (database versions not stated): TOPMed 0.00002; ExAC 0.00003; gnomAD 0.00005; ESP Exome Variant Server 0.00008.
gnomAD v4.1: 9 of 1,613,892 alleles (0.00056%); highest among the groups gnomAD compares: African/African-American, 0.012%; no homozygotes.

Submission:

Ambry Genetics
Classification: Uncertain significance for Cardiovascular phenotype. Last evaluated: 2022-03-04. Review status: criteria provided, single submitter. Criteria: Ambry Variant Classification Scheme 2023. Collection method: clinical testing. Allele origin: germline.
Comment: The p.Q215H variant (also known as c.645G>T), located in coding exon 6 of the EFEMP2 gene, results from a G to T substitution at nucleotide position 645. The glutamine at codon 215 is replaced by histidine, an amino acid with highly similar properties. This amino acid position is conserved. In addition, this alteration is predicted to be deleterious by in silico analysis. Since supporting evidence is limited at this time, the clinical significance of this alteration remains unclear.

NM_016938.5(EFEMP2):c.645G>T (p.Gln215His)

Gene: EFEMP2 (EGF containing fibulin extracellular matrix protein 2; minus strand). Cytogenetic location: 11q13.1.
Variant type: single nucleotide variant.
Coding change: c.645G>T on transcript NM_016938.5 (MANE Select); coding-DNA position 645, G replaced by T.
Protein change: p.Gln215His; replaces glutamine 215 with histidine.
Molecular consequence: missense variant. On other transcripts: non-coding transcript variant (1).
Genome position (GRCh38, 1-based): chr11:65,869,939, C>A on the plus strand (G>T on the coding strand, the complement: EFEMP2 is on the minus strand). VCF-style: chr11-65869939-C-A. GRCh37 (hg19) VCF-style: chr11-65637410-C-A.
Other names: short protein forms Q215H.
Identifiers: ClinVar variation 1753649 (VCV001753649.2), dbSNP rs371117990, ClinGen allele CA6110569.